The following is an entry in ClinVar:

ClinVar aggregate classification (germline): Benign (0 of 4 stars; one submission).

Conditions:
TLR2-related disorder. Also called: TLR2-related condition.

Allele frequency attached by ClinVar (database versions not stated): TOPMed 0.00123; gnomAD 0.00133; 1000 Genomes Project 30x 0.00156; ESP Exome Variant Server 0.00169; 1000 Genomes Project 0.00180; ExAC 0.00237; gnomAD exomes 0.00252.
gnomAD v4.1: 3,849 of 1,613,642 alleles (0.24%); highest among the groups gnomAD compares: South Asian, 1%; 27 homozygotes.

Submission:

PreventionGenetics, part of Exact Sciences
Classification: Benign for TLR2-related condition. Last evaluated: 2019-05-02. Review status: no assertion criteria provided. Collection method: clinical testing. Allele origin: germline.
Comment: This variant is classified as benign based on ACMG/AMP sequence variant interpretation guidelines (Richards et al. 2015 PMID: 25741868, with internal and published modifications).

NM_001318789.2(TLR2):c.1689G>A (p.Leu563=)

Gene: TLR2 (toll like receptor 2; plus strand). Cytogenetic location: 4q31.3.
Variant type: single nucleotide variant.
Coding change: c.1689G>A on transcript NM_001318789.2 (MANE Select); coding-DNA position 1689, G replaced by A.
Protein change: p.Leu563=; no amino-acid change (leucine 563 retained).
Molecular consequence: synonymous variant.
Genome position (GRCh38, 1-based): chr4:153,704,596, G>A. VCF-style: chr4-153704596-G-A. GRCh37 (hg19) VCF-style: chr4-154625748-G-A.
Other names: c.1689G>A, p.Leu563= (NM_001318787.2, NM_001318790.2, NM_001318791.2 and 4 more transcripts).
Identifiers: ClinVar variation 3037165 (VCV003037165.2), dbSNP rs55695930, ClinGen allele CA3110932.
Genomic context (GRCh38, chr4:153,704,596, plus strand): 5'-CTTCACTCAGGAGCAGCAAGCACTGGCCAAAGTCTTGATTGATTGGCCAGCAAATTACCT[G>A]TGTGACTCTCCATCCCATGTGCGTGGCCAGCAGGTTCAGGATGTCCGCCTCTCGGTGTCG-3'
Protein context (NP_001305718.1, residues 553-573): KVLIDWPANY[Leu563=]CDSPSHVRGQ